The following is an entry in ClinVar:

NM_000083.3(CLCN1):c.979G>A (p.Val327Ile)

Gene: CLCN1 (chloride voltage-gated channel 1; plus strand). Cytogenetic location: 7q34.
Variant type: single nucleotide variant.
Coding change: c.979G>A on transcript NM_000083.3 (MANE Select); coding-DNA position 979, G replaced by A.
Protein change: p.Val327Ile; replaces valine 327 with isoleucine.
Molecular consequence: missense variant. On other transcripts: non-coding transcript variant (1).
Genome position (GRCh38, 1-based): chr7:143,330,897, G>A. VCF-style: chr7-143330897-G-A. GRCh37 (hg19) VCF-style: chr7-143027990-G-A.
Other names: short protein forms V327I.
Identifiers: ClinVar variation 447078 (VCV000447078.23), dbSNP rs774396430, ClinGen allele CA4537187.

ClinVar aggregate classification (germline): Pathogenic/Likely pathogenic. Review status: criteria provided, multiple submitters, no conflicts (2 of 4 stars). 10 submissions from 10 submitters: Pathogenic (6); Likely pathogenic (2). 2 of the submissions do not count toward it. Last evaluated 2026-09-28.

Conditions:
CLCN1-related disorder. Also called: CLCN1-related condition.
Myotonia/myopathy.
Skeletal muscle channelopathy.
Congenital myotonia, autosomal recessive form. Also called: BECKER DISEASE; Becker Generalized Myotonia; myotonia congenita, autosomal recessive. Identifiers: Orphanet 614, MedGen C0751360, MONDO:0009715, OMIM 255700.
Congenital myotonia, autosomal dominant form (THD). Also called: THOMSEN DISEASE; Myotonia congenita autosomal dominant. Identifiers: Orphanet 614, MedGen C2936781, MONDO:0008055, OMIM 160800.

Allele frequency attached by ClinVar (database versions not stated): gnomAD 0.00002; ExAC 0.00001; gnomAD exomes 0.00001 and 0.00005; TOPMed 0.00002.
gnomAD v4.1: 71 of 1,614,058 alleles (0.0044%); highest among the groups gnomAD compares: Non-Finnish European, 0.0058%; no homozygotes.

Submissions (10):

Genetics Laboratory, Great Ormond Street Hospital NHS Foundation Trust, North Thames Genomic Laboratory Hub
Classification: Pathogenic for Skeletal muscle channelopathy. Last evaluated: 2026-09-28. Review status: criteria provided, single submitter. Criteria: ACGS Best Practice Guidelines for Variant Classification in Rare Disease 2024 v1.2. Collection method: clinical testing. Allele origin: germline. Affected: yes.
Comment: PM2_moderate, PP3_supporting, PM1_moderate, PM3_very-strong

Labcorp Genetics (formerly Invitae), Labcorp
Classification: Pathogenic for Congenital myotonia, autosomal recessive form; Congenital myotonia, autosomal dominant form. Last evaluated: 2026-01-12. Review status: criteria provided, single submitter. Criteria: Invitae Variant Classification Sherloc (09022015). Collection method: clinical testing. Allele origin: germline.
Comment: This sequence change replaces valine, which is neutral and non-polar, with isoleucine, which is neutral and non-polar, at codon 327 of the CLCN1 protein (p.Val327Ile). This variant also falls at the last nucleotide of exon 8, which is part of the consensus splice site for this exon. This variant is present in population databases (rs774396430, gnomAD 0.003%). This missense change has been observed in individuals with autosomal recessive myotonia congenita (PMID: 7951242, 11840191, 23516313, 23810313). It has also been observed to segregate with disease in related individuals. ClinVar contains an entry for this variant (Variation ID: 447078). An algorithm developed to predict the effect of missense changes on protein structure and function outputs the following: PolyPhen-2: "Benign". The isoleucine amino acid residue is found in multiple mammalian species, which suggests that this missense change does not adversely affect protein function. Variants that disrupt the consensus splice site are a relatively common cause of aberrant splicing (PMID: 17576681, 9536098). Algorithms developed to predict the effect of sequence changes on RNA splicing suggest that this variant may disrupt the consensus splice site. For these reasons, this variant has been classified as Pathogenic.

GeneDx
Classification: Likely pathogenic. Last evaluated: 2025-06-27. Review status: criteria provided, single submitter. Criteria: GeneDx Variant Classification Process June 2021. Collection method: clinical testing. Allele origin: germline. Affected: yes.
Comment: Expression of V327I cRNA into Xenopus oocytes yielded CLC-1 currents that were indistinguishable from wild type, which supports the hypothesis that the c.979 G>A variant exerts its effect by affecting splicing (PMID: 7951242); Not observed at significant frequency in large population cohorts (gnomAD); Alters the last nucleotide of the exon and is predicted to damage the splice donor site but the effect on protein function is unclear; This variant is associated with the following publications: (PMID: 17932099, 11933197, 23516313, 22187529, 21387378, 24037712, 15786415, 8533761, 32010054, 11840191, 23810313, 32670189, 33263785, 34529042, 7951242, 32117024, 36796140)

Athena Diagnostics
Classification: Pathogenic. Last evaluated: 2025-01-10. Review status: criteria provided, single submitter. Criteria: Athena Diagnostics Criteria. Collection method: clinical testing. Allele origin: unknown.
Comment: The frequency of this variant in the general population is consistent with pathogenicity. This variant has been identified in multiple unrelated individuals with clinical features associated with autosomal recessive myotonia congenita and segregates with disease in at least one family. In multiple individuals, this variant has been seen with a single recessive pathogenic variant in the same gene, suggesting this variant may also be pathogenic. Polyphen and MutationTaster yielded discordant predictions regarding whether this amino acid change is damaging to the protein. Computational tools yielded predictions that this variant may interfere with normal RNA splicing.

Fulgent Genetics
Classification: Pathogenic for Congenital myotonia, autosomal dominant form; Congenital myotonia, autosomal recessive form. Last evaluated: 2024-04-13. Review status: criteria provided, single submitter. Criteria: ACMG Guidelines, 2015. Collection method: clinical testing. Allele origin: germline.

Mayo Clinic Laboratories, Mayo Clinic
Classification: Pathogenic. Last evaluated: 2023-10-04. Review status: criteria provided, single submitter. Criteria: ACMG Guidelines, 2015. Collection method: clinical testing. Allele origin: germline. Observed: 1 variant allele.
Comment: PP1, PP3, PP4, PM2_moderate, PM3, PS4

Victorian Clinical Genetics Services, Murdoch Childrens Research Institute
Classification: Pathogenic for Congenital myotonia, autosomal recessive form. Last evaluated: 2023-07-16. Review status: criteria provided, single submitter. Criteria: ACMG Guidelines, 2015. Collection method: clinical testing. Allele origin: germline. Inheritance: Autosomal recessive inheritance. Affected: yes.
Comment: Based on the classification scheme VCGS_Germline_v1.3.4, this variant is classified as Pathogenic. Following criteria are met: 0103 - Dominant negative and loss of function are known mechanisms of disease in this gene. There are no clear phenotype-genotype correlations, however loss of function is generally associated with autosomal recessive inheritance (PMIDs: 20301529, 32117024). (I) 0108 - This gene is associated with both recessive and dominant disease. Recessive myotonia congenita (MIM#255700, Becker disease) is more severe than dominant myotonia congenita (MIM#160800, Thomsen disease). At least twelve variants were reported to cause both diseases (PMIDs: 20301529, 32010054). (I) 0112 - The condition associated with this gene has incomplete penetrance. Incomplete penetrance has been suggested for pathogenic variants associated with autosomal dominant inheritance (PMIDs: 20301529, 32117024). (I) 0115 - Variants in this gene are known to have variable expressivity. Intrafamilial phenotypic variability has been reported (PMID: 20301529). (I) 0200 - Variant is predicted to result in a missense amino acid change from valine to isoleucine. The variant is also in a splice region as it affects the last coding base of an exon. (I) 0251 - This variant is heterozygous. (I) 0304 - Variant is present in gnomAD (v2) <0.01 (4 heterozygotes, 0 homozygotes). (SP) 0503 - Missense variant consistently predicted to be tolerated by multiple in silico tools or not conserved in placental mammals with a minor amino acid change. However, this nucleotide is highly conserved and abnormal splicing is predicted by in silico tools. (I) 0600 - Variant is located in the annotated voltage gated chloride channel (DECIPHER). (I) 0705 - No comparable missense variants have previous evidence for pathogenicity. (I) 0801 - This variant has strong previous evidence of pathogenicity in unrelated individuals. This variant has been classified as pathogenic and likely pathogenic by clinical laboratories in ClinVar, and has been observed as compound heterozygous in at least five unrelated individuals in the literature (PMIDs: 32670189, 33263785, 11840191, 7951242, 21387378). (SP) 1010 - Functional evidence for this variant is inconclusive. Patch clamp studies have shown that this variant does not affect the chloride channel current (PMID: 7951242). However, patch clamp assays have been shown to be unreliable, therefore results from these studies are used with caution during variant classification. (I) 1101 - Very strong and specific phenotype match for this individual. (SP) 1208 - Inheritance information for this variant is not currently available in this individual. (I) Legend: (SP) - Supporting pathogenic, (I) - Information, (SB) - Supporting benign

Revvity Omics, Revvity
Classification: Likely pathogenic. Last evaluated: 2021-10-01. Review status: criteria provided, single submitter. Criteria: ACMG Guidelines, 2015. Collection method: clinical testing. Allele origin: germline.

Hong-Tao Li Lab, Institute of Brain Science and Brain-inspired Research, Shandong First Medical University & Shandong Academy of Medical Sciences China
Classification: Likely pathogenic for Myotonia/myopathy. Last evaluated: 2026-06-28. Review status: no assertion criteria provided. Collection method: research. Allele origin: germline. Inheritance: Autosomal unknown. Affected: yes. Observed: 1 variant allele, 1 heterozygote. Not counted in ClinVar's aggregate classification.

PreventionGenetics, part of Exact Sciences
Classification: Pathogenic for CLCN1-related condition. Last evaluated: 2024-06-06. Review status: no assertion criteria provided. Collection method: clinical testing. Allele origin: germline. Not counted in ClinVar's aggregate classification.
Comment: The CLCN1 c.979G>A variant is predicted to result in the amino acid substitution p.Val327Ile. This variant affects the last nucleotide of exon 8 and is predicted to impact splicing according to a splicing prediction software (Splice AI, Jaganathan K, et al. 2019. PubMed ID: 30661751). This variant has been reported in multiple individuals with autosomal recessive myotonia congenita (Horga et al. 2013. PubMed ID: 23516313; Meyer et al. 2020. PubMed ID: 32670189; Vereb et al. 2020. PubMed ID: 33263785; Suetterlin et al. 2022. PubMed ID: 34529042; Vivekanandam et al. 2023. PubMed ID: 36796140; Lorenz et al. 1994. PubMed ID: 7951242; Fialho et al. 2007. PubMed ID: 17932099; Sun et al. 2001. PubMed ID: 11840191; Morrow et al. 2013. PubMed ID: 23810313). This variant is reported in 0.0031% of alleles in individuals of European (Non-Finnish) descent in gnomAD. This variant is interpreted as pathogenic.

Literature cited by the submitters: PubMed 7951242 (cited by 4 submitters); PubMed 11840191 (cited by 3 submitters); PubMed 23516313 (cited by 3 submitters); PubMed 23810313 (cited by Labcorp Genetics (formerly Invitae), Labcorp and Athena Diagnostics); PubMed 17576681 (cited by Labcorp Genetics (formerly Invitae), Labcorp); PubMed 9536098 (cited by Labcorp Genetics (formerly Invitae), Labcorp); PubMed 36796140 (cited by Athena Diagnostics and Mayo Clinic Laboratories, Mayo Clinic); PubMed 34529042 (cited by Athena Diagnostics and Mayo Clinic Laboratories, Mayo Clinic); PubMed 33263785 (cited by 3 submitters); PubMed 32670189 (cited by 3 submitters); PubMed 21387378 (cited by Athena Diagnostics and Victorian Clinical Genetics Services, Murdoch Childrens Research Institute); PubMed 7951215 (cited by Athena Diagnostics); PubMed 17932099 (cited by Athena Diagnostics and Mayo Clinic Laboratories, Mayo Clinic); PubMed 20301529 (cited by Victorian Clinical Genetics Services, Murdoch Childrens Research Institute); PubMed 32010054 (cited by Victorian Clinical Genetics Services, Murdoch Childrens Research Institute); PubMed 32117024 (cited by Victorian Clinical Genetics Services, Murdoch Childrens Research Institute).